The following is an entry in ClinVar:

ClinVar aggregate classification (germline): Uncertain significance (1 of 4 stars; one submission).

Conditions:
Periodic fever-infantile enterocolitis-autoinflammatory syndrome. Also called: Autoinflammation with infantile enterocolitis. Identifiers: Orphanet 436166, MedGen C4015067, MONDO:0014472, OMIM 616050.
Familial cold autoinflammatory syndrome 4 (FCAS4). Identifiers: Orphanet 47045, Orphanet 576349, MedGen C4015276, MONDO:0014498, OMIM 616115.

Allele frequency attached by ClinVar (database versions not stated): gnomAD exomes below 0.00001; ExAC 0.00003.
gnomAD v4.1: 6 of 1,612,882 alleles (0.00037%); highest among the groups gnomAD compares: Admixed American, 0.0067%; no homozygotes.

Submission:

Labcorp Genetics (formerly Invitae), Labcorp
Classification: Uncertain significance for Periodic fever-infantile enterocolitis-autoinflammatory syndrome; Familial cold autoinflammatory syndrome 4. Last evaluated: 2023-09-06. Review status: criteria provided, single submitter. Criteria: Invitae Variant Classification Sherloc (09022015). Collection method: clinical testing. Allele origin: germline.
Comment: This sequence change replaces glycine, which is neutral and non-polar, with serine, which is neutral and polar, at codon 959 of the NLRC4 protein (p.Gly959Ser). This variant is present in population databases (rs754672945, gnomAD 0.003%). This variant has not been reported in the literature in individuals affected with NLRC4-related conditions. ClinVar contains an entry for this variant (Variation ID: 2182643). Advanced modeling of protein sequence and biophysical properties (such as structural, functional, and spatial information, amino acid conservation, physicochemical variation, residue mobility, and thermodynamic stability) performed at Invitae indicates that this missense variant is not expected to disrupt NLRC4 protein function. In summary, the available evidence is currently insufficient to determine the role of this variant in disease. Therefore, it has been classified as a Variant of Uncertain Significance.

NM_001199138.2(NLRC4):c.2875G>A (p.Gly959Ser)

Gene: NLRC4 (NLR family CARD domain containing 4; minus strand). Cytogenetic location: 2p22.3.
Variant type: single nucleotide variant.
Coding change: c.2875G>A on transcript NM_001199138.2 (MANE Select); coding-DNA position 2875, G replaced by A.
Protein change: p.Gly959Ser; replaces glycine 959 with serine.
Molecular consequence: missense variant.
Genome position (GRCh38, 1-based): chr2:32,224,673, C>T on the plus strand (G>A on the coding strand, the complement: NLRC4 is on the minus strand). VCF-style: chr2-32224673-C-T. GRCh37 (hg19) VCF-style: chr2-32449742-C-T.
Other names: c.2875G>A, p.Gly959Ser (NM_001199139.2, NM_021209.5); c.880G>A, p.Gly294Ser (NM_001302504.2); short protein forms G959S, G294S.
Identifiers: ClinVar variation 2182643 (VCV002182643.4), dbSNP rs754672945, ClinGen allele CA1601655.